The following is an entry in ClinVar:

ClinVar aggregate classification (germline): Benign (1 of 4 stars; one submission).

Allele frequency attached by ClinVar (database versions not stated): gnomAD 0.05497 and 0.05593; TOPMed 0.05594; 1000 Genomes Project 30x 0.05965; 1000 Genomes Project 0.06050.
gnomAD v4.1: 8,543 of 152,238 alleles (5.6%); highest among the groups gnomAD compares: East Asian, 12%; 285 homozygotes.

Submission:

GeneDx
Classification: Benign. Last evaluated: 2018-06-16. Review status: criteria provided, single submitter. Criteria: GeneDx Variant Classification (06012015). Collection method: clinical testing. Allele origin: germline. Affected: yes.
Comment: This variant is considered likely benign or benign based on one or more of the following criteria: it is a conservative change, it occurs at a poorly conserved position in the protein, it is predicted to be benign by multiple in silico algorithms, and/or has population frequency not consistent with disease.

NM_018972.4(GDAP1):c.695-309C>T

Gene: GDAP1 (ganglioside induced differentiation associated protein 1; plus strand). Cytogenetic location: 8q21.11.
Variant type: single nucleotide variant.
Coding change: c.695-309C>T on transcript NM_018972.4 (MANE Select); 309 bases into the intron before coding-DNA position 695, C replaced by T.
Molecular consequence: intron variant.
Genome position (GRCh38, 1-based): chr8:74,363,676, C>T. VCF-style: chr8-74363676-C-T. GRCh37 (hg19) VCF-style: chr8-75275911-C-T.
Other names: c.694+623C>T (NM_001362931.2); c.521-309C>T (NM_001362930.2); c.368-309C>T (NM_001362929.2, NM_001362932.2); c.491-309C>T (NM_001040875.4).
Identifiers: ClinVar variation 669778 (VCV000669778.1), dbSNP rs4464961, ClinGen allele CA12852873.